The following is an entry in ClinVar:

NM_000143.3(FH):c.556_557delAG

Gene: FH (fumarate hydratase; minus strand). Cytogenetic location: 1q43.
Variant type: Microsatellite.
Coding change: c.556_557delAG on transcript NM_000143.3; coding-DNA positions 556 to 557, 2 bases deleted (AG).
Genome position (GRCh38, 1-based): chr1:241,508,784-241,508,785, CT deleted on the plus strand (AG on the coding strand, the reverse complement: FH is on the minus strand); deleting any 2 consecutive bases within chr1:241,508,784-241,508,787 gives the same sequence; the c. name uses the placement nearest the transcript's 3' end. VCF-style (leftmost placement, unchanged base first): chr1-241508783-GCT-G. GRCh37 (hg19) VCF-style: chr1-241672083-GCT-G.
Identifiers: ClinVar variation 429169 (VCV000429169.8), dbSNP rs1131691235, ClinGen allele CA645369178.

ClinVar aggregate classification (germline): Pathogenic. Review status: criteria provided, multiple submitters, no conflicts (2 of 4 stars). 2 submissions from 2 submitters: Pathogenic (2). Last evaluated 2015-09-27.

Conditions:
Hereditary cancer-predisposing syndrome. Also called: Neoplastic Syndromes, Hereditary; Hereditary Cancer Syndrome; Tumor predisposition; Hereditary neoplastic syndrome. Identifiers: Orphanet 140162, MedGen C0027672, MeSH D009386, MONDO:0015356.

Submissions (2):

GeneDx
Classification: Pathogenic. Last evaluated: 2015-09-27. Review status: criteria provided, single submitter. Criteria: GeneDx Variant Classification (06012015). Collection method: clinical testing. Allele origin: germline. Affected: yes.
Comment: The c.556_557delAG pathogenic variant in the FH gene causes a frameshift starting with codon Serine 186, changes this amino acid to a Leucine residue and creates a premature Stop codon at position 3 of the new reading frame, denoted p.Ser186LeufsX3. This pathogenic variant is predicted to cause loss of normal protein function either through protein truncation or nonsense-mediated mRNA decay.

Ambry Genetics
Classification: Pathogenic for Hereditary cancer-predisposing syndrome. Last evaluated: 2014-12-16. Review status: criteria provided, single submitter. Criteria: Ambry Variant Classification Scheme 2023. Collection method: clinical testing. Allele origin: germline.
Comment: The c.556_557delAG pathogenic mutation, located in coding exon 5 of the FH gene, results from a deletion of 2 nucleotides between positions 556 and 557 causing a translational frameshift with a predicted alternate stop codon. Since frameshifts are typically deleterious in nature, this alteration is interpreted as a disease-causing mutation (ACMG Recommendations for Standards for Interpretation and Reporting of Sequence Variations. Revision 2007. Genet Med. 2008;10:294).